The following is an entry in ClinVar:

ClinVar aggregate classification (germline): Pathogenic (1 of 4 stars; one submission).

Conditions:
Mucopolysaccharidosis, MPS-II (MPS2). Also called: Hunter Syndrome; IDURONATE 2-SULFATASE DEFICIENCY; Mucopolysaccharidosis Type II; Mucopolysaccharidosis type 2; Attenuated MPS (subtype; formerly known as mild MPS II); Severe MPS II. Identifiers: Orphanet 580, Orphanet 79388, MedGen C0026705, MONDO:0010674, OMIM 309900.

Submission:

Laboratory of Diagnosis and Therapy of Lysosomal Disorders, University of Padova
Classification: Pathogenic for Mucopolysaccharidosis, MPS-II. Last evaluated: 2024-06-07. Review status: criteria provided, single submitter. Criteria: ACMG Guidelines, 2015. Collection method: literature only. Allele origin: germline. Affected: yes. Observed: 1 variant allele.
Comment: Null variant (PVS1_VeryStrong), De novo (PS2_Moderate), Absent from controls (or at low frequency) in gnomAD database (PM2_Moderate), Patient’s phenotype or family history highly specific for the disease (PP4_Moderate)

Classification method: ACMG Guidelines [PMID:25741868] with modifications

Literature cited by the submitters: PubMed 11462244.

NM_000202.8(IDS):c.35G>A (p.Trp12Ter)

Genes: IDS (iduronate 2-sulfatase; minus strand), LOC130068781 (ATAC-STARR-seq lymphoblastoid active region 30015; plus strand). Cytogenetic location: Xq28.
Variant type: single nucleotide variant.
Coding change: c.35G>A on transcript NM_000202.8 (MANE Select); coding-DNA position 35, G replaced by A.
Protein change: p.Trp12Ter; replaces tryptophan 12 with a stop codon.
Molecular consequence: nonsense. On other transcripts: 5 prime UTR variant (1), non-coding transcript variant (1).
Genome position (GRCh38, 1-based): chrX:149,505,103, C>T on the plus strand (G>A on the coding strand, the complement: IDS is on the minus strand). VCF-style: chrX-149505103-C-T. GRCh37 (hg19) VCF-style: chrX-148586633-C-T.
Other names: c.-192G>A (NM_001166550.4); c.35G>A, p.Trp12Ter (NM_006123.5); short protein forms W12*.
Identifiers: ClinVar variation 3256098 (VCV003256098.2).